The following is an entry in ClinVar:

ClinVar aggregate classification (germline): Uncertain significance. Review status: criteria provided, multiple submitters, no conflicts (2 of 4 stars). 2 submissions from 2 submitters: Uncertain significance (2). Last evaluated 2025-06-17.

Conditions:
Autosomal dominant polycystic kidney disease. Identifiers: Orphanet 730, MedGen C0085413, MONDO:0004691.
Polycystic kidney disease 2 (PKD2). Also called: POLYCYSTIC KIDNEY DISEASE, ADULT, TYPE II; Polycystic Kidney Disease 2, Autosomal Dominant; POLYCYSTIC KIDNEY DISEASE 2 WITH OR WITHOUT POLYCYSTIC LIVER DISEASE. Identifiers: MedGen C2751306, MONDO:0013131, OMIM 613095.

Allele frequency attached by ClinVar (database versions not stated): TOPMed 0.00001.
gnomAD v4.1: 25 of 1,614,004 alleles (0.0015%); highest among the groups gnomAD compares: Non-Finnish European, 0.002%; no homozygotes.

Submissions (2):

Labcorp Genetics (formerly Invitae), Labcorp
Classification: Uncertain significance for Autosomal dominant polycystic kidney disease. Last evaluated: 2025-06-17. Review status: criteria provided, single submitter. Criteria: Invitae Variant Classification Sherloc (09022015). Collection method: clinical testing. Allele origin: germline.
Comment: This sequence change replaces isoleucine, which is neutral and non-polar, with phenylalanine, which is neutral and non-polar, at codon 925 of the PKD2 protein (p.Ile925Phe). This variant is present in population databases (no rsID available, gnomAD 0.0009%). This variant has not been reported in the literature in individuals affected with PKD2-related conditions. ClinVar contains an entry for this variant (Variation ID: 1512925). An algorithm developed to predict the effect of missense changes on protein structure and function (PolyPhen-2) suggests that this variant is likely to be tolerated. In summary, the available evidence is currently insufficient to determine the role of this variant in disease. Therefore, it has been classified as a Variant of Uncertain Significance.

Fulgent Genetics
Classification: Uncertain significance for Polycystic kidney disease 2. Last evaluated: 2022-04-27. Review status: criteria provided, single submitter. Criteria: ACMG Guidelines, 2015. Collection method: clinical testing. Allele origin: unknown.

NM_000297.4(PKD2):c.2773A>T (p.Ile925Phe)

Gene: PKD2 (polycystin 2, transient receptor potential cation channel; plus strand). Cytogenetic location: 4q22.1.
Variant type: single nucleotide variant.
Coding change: c.2773A>T on transcript NM_000297.4 (MANE Select); coding-DNA position 2773, A replaced by T.
Protein change: p.Ile925Phe; replaces isoleucine 925 with phenylalanine.
Molecular consequence: missense variant. On other transcripts: non-coding transcript variant (1).
Genome position (GRCh38, 1-based): chr4:88,075,560, A>T. VCF-style: chr4-88075560-A-T. GRCh37 (hg19) VCF-style: chr4-88996712-A-T.
Other names: short protein forms I925F.
Identifiers: ClinVar variation 1512925 (VCV001512925.7), dbSNP rs888130252, ClinGen allele CA100895375.